The following is an entry in ClinVar:

ClinVar aggregate classification (germline): Uncertain significance (1 of 4 stars; one submission).

Submission:

Women's Health and Genetics/Laboratory Corporation of America, LabCorp
Classification: Uncertain significance. Last evaluated: 2022-09-12. Review status: criteria provided, single submitter. Criteria: LabCorp Variant Classification Summary - May 2015. Collection method: clinical testing. Allele origin: germline.
Comment: Variant summary: DPP6 c.397G>A (p.Val133Ile) results in a conservative amino acid change in the encoded protein sequence. Three of four in-silico tools predict a benign effect of the variant on protein function. The variant was absent in 249114 control chromosomes (gnomAD). The available data on variant occurrences in the general population are insufficient to allow any conclusion about variant significance. To our knowledge, no occurrence of c.397G>A in individuals affected with Mental Retardation, Autosomal Dominant 33 and no experimental evidence demonstrating its impact on protein function have been reported. No clinical diagnostic laboratories have submitted clinical-significance assessments for this variant to ClinVar after 2014. Based on the evidence outlined above, the variant was classified as uncertain significance.

NM_130797.4(DPP6):c.397G>A (p.Val133Ile)

Gene: DPP6 (dipeptidyl peptidase like 6; plus strand). Cytogenetic location: 7q36.2.
Variant type: single nucleotide variant.
Coding change: c.397G>A on transcript NM_130797.4 (MANE Select); coding-DNA position 397, G replaced by A.
Protein change: p.Val133Ile; replaces valine 133 with isoleucine.
Molecular consequence: missense variant. On other transcripts: non-coding transcript variant (2).
Genome position (GRCh38, 1-based): chr7:154,474,977, G>A. VCF-style: chr7-154474977-G-A. GRCh37 (hg19) VCF-style: chr7-154172062-G-A.
Other names: c.205G>A, p.Val69Ile (NM_001039350.3, NM_001364501.2); c.211G>A, p.Val71Ile (NM_001290252.2, NM_001364502.2, NM_001936.5); c.397G>A, p.Val133Ile (NM_001290253.2); c.214G>A, p.Val72Ile (NM_001364497.2, NM_001364498.2, NM_001364499.2 and 1 more transcripts); short protein forms V133I, V69I, V71I, V72I.
Identifiers: ClinVar variation 1722472 (VCV001722472.1), dbSNP rs2487175615, ClinGen allele CA370201442.